The following is an entry in ClinVar:

ClinVar aggregate classification (germline): Uncertain significance. Review status: criteria provided, multiple submitters, no conflicts (2 of 4 stars). 2 submissions from 2 submitters: Uncertain significance (2). Last evaluated 2025-05-16.

Conditions:
Combined oxidative phosphorylation deficiency. Identifiers: MedGen C4540031, MONDO:0000732.
Charcot-Marie-Tooth Neuropathy X. Identifiers: MedGen CN118851.

Allele frequency attached by ClinVar (database versions not stated): gnomAD exomes below 0.00001.
gnomAD v4.1: 1 of 1,209,671 alleles (0.000083%); highest among the groups gnomAD compares: Non-Finnish European, 0.00011%; no homozygotes.

Submissions (2):

Labcorp Genetics (formerly Invitae), Labcorp
Classification: Uncertain significance for Charcot-Marie-Tooth Neuropathy X; Combined oxidative phosphorylation deficiency. Last evaluated: 2025-05-16. Review status: criteria provided, single submitter. Criteria: Invitae Variant Classification Sherloc (09022015). Collection method: clinical testing. Allele origin: germline.
Comment: This sequence change replaces asparagine, which is neutral and polar, with serine, which is neutral and polar, at codon 241 of the AIFM1 protein (p.Asn241Ser). This variant is not present in population databases (gnomAD no frequency). This variant has not been reported in the literature in individuals affected with AIFM1-related conditions. ClinVar contains an entry for this variant (Variation ID: 2143944). Invitae Evidence Modeling of protein sequence and biophysical properties (such as structural, functional, and spatial information, amino acid conservation, physicochemical variation, residue mobility, and thermodynamic stability) has been performed for this missense variant. However, the output from this modeling did not meet the statistical confidence thresholds required to predict the impact of this variant on AIFM1 protein function. In summary, the available evidence is currently insufficient to determine the role of this variant in disease. Therefore, it has been classified as a Variant of Uncertain Significance.

Dasa
Classification: Uncertain significance. Last evaluated: 2024-07-18. Review status: criteria provided, single submitter. Criteria: DASA Assertion Criteria. Collection method: clinical testing. Allele origin: germline.
Comment: NM_004208.4(AIFM1):c.722A>G (p.Asn241Ser) is a missense variant that results in the substitution of asparagine with serine. This variant is rare in population databases. Computational prediction algorithms are consistent with a benign effect. The currently available literature and clinical evidence are not sufficient to establish a definitive association between this variant and the reported condition. Therefore, this variant is classified as a variant of uncertain significance.

NM_004208.4(AIFM1):c.722A>G (p.Asn241Ser)

Genes: AIFM1 (apoptosis inducing factor mitochondria associated 1; minus strand), RAB33A (RAB33A, member RAS oncogene family; plus strand). Cytogenetic location: Xq26.1.
Variant type: single nucleotide variant.
Coding change: c.722A>G on transcript NM_004208.4 (MANE Select); coding-DNA position 722, A replaced by G.
Protein change: p.Asn241Ser; replaces asparagine 241 with serine.
Molecular consequence: missense variant. On other transcripts: non-coding transcript variant (1).
Genome position (GRCh38, 1-based): chrX:130,140,592, T>C on the plus strand (A>G on the coding strand, the complement: AIFM1 is on the minus strand). VCF-style: chrX-130140592-T-C. GRCh37 (hg19) VCF-style: chrX-129274567-T-C.
Other names: c.722A>G, p.Asn241Ser (NM_001130847.4); c.710A>G, p.Asn237Ser (NM_145812.3); short protein forms N237S, N241S.
Identifiers: ClinVar variation 2143944 (VCV002143944.6), dbSNP rs1857507387, ClinGen allele CA414583405.